The following is an entry in ClinVar:

ClinVar aggregate classification (germline): Uncertain significance. Review status: criteria provided, single submitter (1 of 4 stars). 2 submissions from 2 submitters: Uncertain significance (1). 1 of the submissions does not count toward it. Last evaluated 2022-03-14.

Conditions:
Usher syndrome type 1C. Also called: USHER SYNDROME, TYPE I, ACADIAN VARIETY. Identifiers: Orphanet 231169, Orphanet 886, MedGen C1848604, MONDO:0010171, OMIM 276904.

Allele frequency attached by ClinVar (database versions not stated): TOPMed below 0.00001; gnomAD 0.00001.
gnomAD v4.1: 2 of 1,610,332 alleles (0.00012%); highest among the groups gnomAD compares: Non-Finnish European, 0.00017%; no homozygotes.

Submissions (2):

Labcorp Genetics (formerly Invitae), Labcorp
Classification: Uncertain significance. Last evaluated: 2022-03-14. Review status: criteria provided, single submitter. Criteria: Invitae Variant Classification Sherloc (09022015). Collection method: clinical testing. Allele origin: germline.
Comment: Variants that disrupt the consensus splice site are a relatively common cause of aberrant splicing (PMID: 17576681, 9536098). Algorithms developed to predict the effect of sequence changes on RNA splicing suggest that this variant may disrupt the consensus splice site. This variant has not been reported in the literature in individuals affected with USH1C-related conditions. This variant is not present in population databases (gnomAD no frequency). This sequence change falls in intron 11 of the USH1C gene. It does not directly change the encoded amino acid sequence of the USH1C protein. It affects a nucleotide within the consensus splice site. In summary, the available evidence is currently insufficient to determine the role of this variant in disease. Therefore, it has been classified as a Variant of Uncertain Significance.

Natera, Inc.
Classification: Uncertain significance for Usher syndrome type 1C. Last evaluated: 2025-05-08. Review status: no assertion criteria provided. Collection method: clinical testing. Allele origin: germline. Not counted in ClinVar's aggregate classification.

Literature cited by the submitters: PubMed 17576681 (cited by Labcorp Genetics (formerly Invitae), Labcorp); PubMed 9536098 (cited by Labcorp Genetics (formerly Invitae), Labcorp).

NM_153676.4(USH1C):c.877-3G>C

Gene: USH1C (USH1 protein network component harmonin; minus strand). Cytogenetic location: 11p15.1.
Variant type: single nucleotide variant.
Coding change: c.877-3G>C on transcript NM_153676.4 (MANE Select); 3 bases into the intron before coding-DNA position 877, G replaced by C.
Molecular consequence: intron variant.
Genome position (GRCh38, 1-based): chr11:17,522,929, C>G on the plus strand (G>C on the coding strand, the complement: USH1C is on the minus strand). VCF-style: chr11-17522929-C-G. GRCh37 (hg19) VCF-style: chr11-17544476-C-G.
Other names: c.877-3G>C (NM_005709.3, NM_005709.4); c.820-3G>C (NM_001297764.2).
Identifiers: ClinVar variation 2003542 (VCV002003542.5), dbSNP rs1473778309, ClinGen allele CA674236473.